The following is an entry in ClinVar:

NM_000180.4(GUCY2D):c.1544C>T (p.Pro515Leu)

Gene: GUCY2D (guanylate cyclase 2D, retinal; plus strand). Cytogenetic location: 17p13.1.
Variant type: single nucleotide variant.
Coding change: c.1544C>T on transcript NM_000180.4 (MANE Select); coding-DNA position 1544, C replaced by T.
Protein change: p.Pro515Leu; replaces proline 515 with leucine.
Molecular consequence: missense variant.
Genome position (GRCh38, 1-based): chr17:8,007,506, C>T. VCF-style: chr17-8007506-C-T. GRCh37 (hg19) VCF-style: chr17-7910824-C-T.
Other names: short protein forms P515L.
Identifiers: ClinVar variation 971815 (VCV000971815.7), dbSNP rs1975769511, ClinGen allele CA397949373.
Genomic context (GRCh38, chr17:8,007,506, plus strand): 5'-AAATGGTCTCCGGCCCCAACAAGATCATCCTGACCGTGGACGACATCACCTTTCTCCACC[C>T]ACATGGGGGCACCTCTCGAAAGGTGGGGGAGGCAGAGAGGCAGGAGCCAGTTGTCTTCTT-3'
Protein context (NP_000171.1, residues 505-525): LTVDDITFLH[Pro515Leu]HGGTSRKVAQ

ClinVar aggregate classification (germline): Uncertain significance (1 of 4 stars; one submission).

Conditions:
Cone-rod dystrophy 6 (CORD6). Also called: RETINAL CONE DYSTROPHY 2; Cone dystrophy progressive. Identifiers: Orphanet 1872, MedGen C1866293, MONDO:0011143, OMIM 601777.
Leber congenital amaurosis 1 (LCA1). Also called: RETINAL BLINDNESS, CONGENITAL; Congenital absence of the rods and cones; Leber's congenital tapetoretinal degeneration; Leber's congenital tapetoretinal dysplasia; AMAUROSIS CONGENITA OF LEBER I. Identifiers: Orphanet 65, MedGen C2931258, MONDO:0008764, OMIM 204000.

Submission:

Labcorp Genetics (formerly Invitae), Labcorp
Classification: Uncertain significance for Leber congenital amaurosis 1; Cone-rod dystrophy 6. Last evaluated: 2021-09-01. Review status: criteria provided, single submitter. Criteria: Invitae Variant Classification Sherloc (09022015). Collection method: clinical testing. Allele origin: germline.
Comment: This sequence change replaces proline with leucine at codon 515 of the GUCY2D protein (p.Pro515Leu). The proline residue is highly conserved and there is a moderate physicochemical difference between proline and leucine. This variant is not present in population databases (ExAC no frequency). This variant has not been reported in the literature in individuals affected with GUCY2D-related conditions. Algorithms developed to predict the effect of missense changes on protein structure and function are either unavailable or do not agree on the potential impact of this missense change (SIFT: "Deleterious"; PolyPhen-2: "Benign"; Align-GVGD: "Class C0"). In summary, the available evidence is currently insufficient to determine the role of this variant in disease. Therefore, it has been classified as a Variant of Uncertain Significance.